The following is an entry in ClinVar:

ClinVar aggregate classification (germline): Likely benign (1 of 4 stars; one submission).

Conditions:
F10-related disorder. Also called: F10-related condition.

gnomAD v4.1: 53 of 1,613,592 alleles (0.0033%); highest among the groups gnomAD compares: East Asian, 0.082%; no homozygotes.

Submission:

PreventionGenetics, part of Exact Sciences
Classification: Likely benign for F10-related condition. Last evaluated: 2025-08-20. Review status: criteria provided, single submitter. Criteria: ACMG Guidelines, 2015. Collection method: clinical testing. Allele origin: germline.
Comment: This variant is classified as likely benign based on ACMG/AMP sequence variant interpretation guidelines (Richards et al. 2015 PMID: 25741868, with internal and published modifications).

NM_000504.4(F10):c.645C>T (p.Phe215=)

Genes: F10 (coagulation factor X; plus strand), F10-AS2 (F10 antisense RNA 2; minus strand). Cytogenetic location: 13q34.
Variant type: single nucleotide variant.
Coding change: c.645C>T on transcript NM_000504.4 (MANE Select); coding-DNA position 645, C replaced by T.
Protein change: p.Phe215=; no amino-acid change (phenylalanine 215 retained).
Molecular consequence: synonymous variant.
Genome position (GRCh38, 1-based): chr13:113,143,993, C>T. VCF-style: chr13-113143993-C-T. GRCh37 (hg19) VCF-style: chr13-113798307-C-T.
Other names: c.513C>T, p.Phe171= (NM_001312674.2); c.645C>T, p.Phe215= (NM_001312675.2).
Identifiers: ClinVar variation 4980481 (VCV004980481.1).